The following is an entry in ClinVar:

ClinVar aggregate classification (germline): Pathogenic (1 of 4 stars; one submission).

Conditions:
Tubulinopathy. Also called: Tubulinopathies. Identifiers: MedGen CN850169, MONDO:0100153.

Submission:

Institute of Human Genetics, FAU Erlangen, Friedrich-Alexander-Universität Erlangen-Nürnberg
Classification: Pathogenic for Tubulinopathies. Last evaluated: 2018-07-01. Review status: criteria provided, single submitter. Criteria: ACMG Guidelines, 2015. Collection method: literature only. Allele origin: de novo. Affected: yes. Observed: 1 variant allele.
Comment: The c.908T>G, p.(Val303Gly) variant has been reported as a variant of de novo origin. This variant and associated phenotype was previously reported by Lecourtois Acta_Neuropathol, 2010 PMID: 20376468. Pachygyria (HP:0001302); Cerebellar vermis hypoplasia (HP:0001320); Hypoplasia of the brainstem (HP:0002365); Cerebellar hypoplasia (HP:0001321); Dilation of lateral ventricles, Dilated fourth ventricle (HP:0006956, HP:0002198); Gray matter heterotopia (HP:0002281); Microcephaly (HP:0000252)

Literature cited by the submitters: PubMed 30744660; DOI 10.1101/427948.

NM_006009.4(TUBA1A):c.908T>G (p.Val303Gly)

Gene: TUBA1A (tubulin alpha 1a; minus strand). Cytogenetic location: 12q13.12.
Variant type: single nucleotide variant.
Coding change: c.908T>G on transcript NM_006009.4 (MANE Select); coding-DNA position 908, T replaced by G.
Protein change: p.Val303Gly; replaces valine 303 with glycine.
Molecular consequence: missense variant.
Genome position (GRCh38, 1-based): chr12:49,185,458, A>C on the plus strand (T>G on the coding strand, the complement: TUBA1A is on the minus strand). VCF-style: chr12-49185458-A-C. GRCh37 (hg19) VCF-style: chr12-49579241-A-C.
Other names: c.908T>G, p.Val303Gly (NM_001270399.2); c.803T>G, p.Val268Gly (NM_001270400.2); short protein forms V303G, V268G.
Identifiers: ClinVar variation 625485 (VCV000625485.2), dbSNP rs1565627104, ClinGen allele CA384638536.